The following is an entry in ClinVar:

ClinVar aggregate classification (germline): Likely pathogenic (1 of 4 stars; one submission).

Allele frequency attached by ClinVar (database versions not stated): ExAC 0.00001.

Submission:

Labcorp Genetics (formerly Invitae), Labcorp
Classification: Likely pathogenic. Last evaluated: 2023-12-22. Review status: criteria provided, single submitter. Criteria: Invitae Variant Classification Sherloc (09022015). Collection method: clinical testing. Allele origin: germline.
Comment: This sequence change affects a donor splice site in intron 31 of the DUOX2 gene. It is expected to disrupt RNA splicing. Variants that disrupt the donor or acceptor splice site typically lead to a loss of protein function (PMID: 16199547), and loss-of-function variants in DUOX2 are known to be pathogenic (PMID: 12110737, 18765513, 21565790, 24423310, 24735383). This variant is present in population databases (rs762701727, gnomAD 0.006%). This variant has not been reported in the literature in individuals affected with DUOX2-related conditions. Algorithms developed to predict the effect of sequence changes on RNA splicing suggest that this variant may disrupt the consensus splice site. In summary, the currently available evidence indicates that the variant is pathogenic, but additional data are needed to prove that conclusively. Therefore, this variant has been classified as Likely Pathogenic.

Literature cited by the submitters: PubMed 16199547; PubMed 12110737; PubMed 18765513; PubMed 21565790; PubMed 24423310; PubMed 24735383.

NM_001363711.2(DUOX2):c.4239+2T>G

Gene: DUOX2 (dual oxidase 2; minus strand). Cytogenetic location: 15q21.1.
Variant type: single nucleotide variant.
Coding change: c.4239+2T>G on transcript NM_001363711.2 (MANE Select); the canonical splice donor site of the intron after coding-DNA position 4239, T replaced by G.
Molecular consequence: splice donor variant.
Genome position (GRCh38, 1-based): chr15:45,095,435, A>C on the plus strand (T>G on the coding strand, the complement: DUOX2 is on the minus strand). VCF-style: chr15-45095435-A-C. GRCh37 (hg19) VCF-style: chr15-45387633-A-C.
Other names: c.4239+2T>G (NM_014080.5).
Identifiers: ClinVar variation 2907466 (VCV002907466.4), dbSNP rs762701727, ClinGen allele CA7537599.
Genomic context (GRCh38, chr15:45,095,435, plus strand): 5'-TTGATGCGGGTCACAATTCGGCCACCTATGCCCCATTTGATGAATGAGGGAGGGATGCTC[A>C]CCTTCTTACACAGCATTTGGCTGCCCAAGGATGACTTGAAGACCAGGTCTTTGAGGATGG-3'